The following is an entry in ClinVar:

ClinVar aggregate classification (germline): Uncertain significance (1 of 4 stars; one submission).

Allele frequency attached by ClinVar (database versions not stated): TOPMed below 0.00001; gnomAD 0.00001.
gnomAD v4.1: 1 of 1,613,048 alleles (0.000062%); highest among the groups gnomAD compares: Non-Finnish European, 0.000085%; no homozygotes.

Submission:

Labcorp Genetics (formerly Invitae), Labcorp
Classification: Uncertain significance. Last evaluated: 2024-02-24. Review status: criteria provided, single submitter. Criteria: Invitae Variant Classification Sherloc (09022015). Collection method: clinical testing. Allele origin: germline.
Comment: This sequence change replaces leucine, which is neutral and non-polar, with valine, which is neutral and non-polar, at codon 612 of the HPS6 protein (p.Leu612Val). This variant is not present in population databases (gnomAD no frequency). This variant has not been reported in the literature in individuals affected with HPS6-related conditions. ClinVar contains an entry for this variant (Variation ID: 1970046). Advanced modeling of protein sequence and biophysical properties (such as structural, functional, and spatial information, amino acid conservation, physicochemical variation, residue mobility, and thermodynamic stability) performed at Invitae indicates that this missense variant is not expected to disrupt HPS6 protein function with a negative predictive value of 80%. In summary, the available evidence is currently insufficient to determine the role of this variant in disease. Therefore, it has been classified as a Variant of Uncertain Significance.

NM_024747.6(HPS6):c.1834C>G (p.Leu612Val)

Gene: HPS6 (HPS6 biogenesis of lysosomal organelles complex 2 subunit 3; plus strand). Cytogenetic location: 10q24.32.
Variant type: single nucleotide variant.
Coding change: c.1834C>G on transcript NM_024747.6 (MANE Select); coding-DNA position 1834, C replaced by G.
Protein change: p.Leu612Val; replaces leucine 612 with valine.
Molecular consequence: missense variant.
Genome position (GRCh38, 1-based): chr10:102,067,308, C>G. VCF-style: chr10-102067308-C-G. GRCh37 (hg19) VCF-style: chr10-103827065-C-G.
Other names: short protein forms L612V.
Identifiers: ClinVar variation 1970046 (VCV001970046.5), dbSNP rs1724255510, ClinGen allele CA377872652.